The following is an entry in ClinVar:

NM_001164508.2(NEB):c.1263dup (p.Tyr422fs)

Gene: NEB (nebulin; minus strand). Cytogenetic location: 2q23.3.
Variant type: Duplication.
Coding change: c.1263dup on transcript NM_001164508.2 (MANE Select); coding-DNA position 1263, one base duplicated (A; older notation c.1263dupA).
Protein change: p.Tyr422fs; shifts the reading frame from tyrosine 422.
Molecular consequence: frameshift variant.
Genome position (GRCh38, 1-based): chr2:151,697,452, T duplicated on the plus strand (A on the coding strand, the reverse complement: NEB is on the minus strand); the first of 6 consecutive T bases (chr2:151,697,452-151,697,457); duplicating any one gives the same sequence. VCF-style (leftmost placement, unchanged base first): chr2-151697451-A-AT. GRCh37 (hg19) VCF-style: chr2-152553965-A-AT.
Other names: NM_001164508.2:c.1263dup; c.1263dup, p.Tyr422fs (NM_001164507.2, NM_001271208.2, NM_004543.5); c.1263dup (NM_001271208.1); short protein forms Y422fs.
Identifiers: ClinVar variation 3239888 (VCV003239888.2), dbSNP rs2099604443.

ClinVar aggregate classification (germline): Pathogenic. Review status: criteria provided, multiple submitters, no conflicts (2 of 4 stars). 2 submissions from 2 submitters: Pathogenic (2). Last evaluated 2025-03-24.

Conditions:
Arthrogryposis multiplex congenita 6. Identifiers: MedGen C5543431, MONDO:0030281, OMIM 619334.
Nemaline myopathy. Also called: Myopathies, Nemaline. Identifiers: Orphanet 607, MedGen C0206157, MONDO:0018958.

Submissions (2):

Broad Center for Mendelian Genomics, Broad Institute of MIT and Harvard
Classification: Pathogenic for Nemaline myopathy. Last evaluated: 2025-03-24. Review status: criteria provided, single submitter. Criteria: ACMG Guidelines, 2015. Collection method: curation. Allele origin: germline. Inheritance: Autosomal recessive inheritance.
Comment: The p.Tyr422IlefsTer2 variant in NEB has been reported, in the compound heterozygous state, in one individual with nemaline myopathy (PMID: 32222963), and has been identified in 0.0002% (2/1179110) of European (non-Finnish) chromosomes by the Genome Aggregation Database (gnomAD; dbSNP ID: rs2099604443).Although this variant has been seen in the general population in a heterozygous state, its frequency is low enough to be consistent with a recessive carrier frequency. It is of note that this variant occurs in a homopolymer repeat, which could indicate that it exists as an artifact from sequencing. However, disease-causing variants have been reported in homopolymer regions, so this is not enough to rule out a pathogenic role. This variant is predicted to cause a frameshift, which alters the protein‚Äôs amino acid sequence beginning at position 422 and leads to a premature termination codon 2 amino acids downstream. This alteration is then predicted to lead to a truncated or absent protein. Loss of function of the NEB gene is an established disease mechanism in autosomal recessive nemaline myopathy. The phenotype of an individual heterozygous for this variant is highly specific for nemaline myopathy based on the presence of nemaline rods on a muscle biopsy consistent with disease (PMID: 32222963). In summary, this variant meets criteria to be classified as pathogenic for autosomal recessive nemaline myopathy. ACMG/AMP Criteria applied: PVS1, PP4, PM2_supporting, PM3_supporting (Richards 2015).

Baylor Genetics
Classification: Pathogenic for Arthrogryposis multiplex congenita 6. Last evaluated: 2024-01-05. Review status: criteria provided, single submitter. Criteria: ACMG Guidelines, 2015. Collection method: clinical testing. Allele origin: unknown.